The following is an entry in ClinVar:

ClinVar aggregate classification (germline): Uncertain significance. Review status: criteria provided, multiple submitters, no conflicts (2 of 4 stars). 2 submissions from 2 submitters: Uncertain significance (2). Last evaluated 2025-08-26.

Conditions:
Candidiasis, familial, 9 (CANDF9). Identifiers: Orphanet 1334, MedGen C4225324, MONDO:0014642, OMIM 616445.

gnomAD v4.1: 16 of 1,604,466 alleles (0.001%); highest among the groups gnomAD compares: African/African-American, 0.0054%; no homozygotes.

Submissions (2):

Ambry Genetics
Classification: Uncertain significance. Last evaluated: 2025-08-26. Review status: criteria provided, single submitter. Criteria: Ambry Variant Classification Scheme 2023. Collection method: clinical testing. Allele origin: germline.

Labcorp Genetics (formerly Invitae), Labcorp
Classification: Uncertain significance for Candidiasis, familial, 9. Last evaluated: 2025-08-12. Review status: criteria provided, single submitter. Criteria: Invitae Variant Classification Sherloc (09022015). Collection method: clinical testing. Allele origin: germline.
Comment: This sequence change replaces arginine, which is basic and polar, with proline, which is neutral and non-polar, at codon 695 of the IL17RC protein (p.Arg695Pro). The frequency data for this variant in the population databases is considered unreliable, as metrics indicate poor data quality at this position in the gnomAD database. This variant has not been reported in the literature in individuals affected with IL17RC-related conditions. An algorithm developed to predict the effect of missense changes on protein structure and function (PolyPhen-2) suggests that this variant is likely to be disruptive. In summary, the available evidence is currently insufficient to determine the role of this variant in disease. Therefore, it has been classified as a Variant of Uncertain Significance.

NM_153460.4(IL17RC):c.1871G>C (p.Arg624Pro)

Gene: IL17RC (interleukin 17 receptor C; plus strand). Cytogenetic location: 3p25.3.
Variant type: single nucleotide variant.
Coding change: c.1871G>C on transcript NM_153460.4 (MANE Select); coding-DNA position 1871, G replaced by C.
Protein change: p.Arg624Pro; replaces arginine 624 with proline.
Molecular consequence: missense variant. On other transcripts: non-coding transcript variant (1).
Genome position (GRCh38, 1-based): chr3:9,933,301, G>C. VCF-style: chr3-9933301-G-C. GRCh37 (hg19) VCF-style: chr3-9974985-G-C.
Other names: c.1832G>C, p.Arg611Pro (NM_001203263.2); c.1781G>C, p.Arg594Pro (NM_001203264.2); c.1775G>C, p.Arg592Pro (NM_001203265.2); c.1793G>C, p.Arg598Pro (NM_001367278.1); c.1712G>C, p.Arg571Pro (NM_001367279.1); c.1787G>C, p.Arg596Pro (NM_001367280.1); c.1736G>C, p.Arg579Pro (NM_001410711.1); c.1826G>C, p.Arg609Pro (NM_032732.6); and 1 more; short protein forms R592P, R596P, R609P, R624P, R611P, R579P, R594P, R695P.
Identifiers: ClinVar variation 4274795 (VCV004274795.2).